The following is an entry in ClinVar:

NM_000400.4(ERCC2):c.974C>T (p.Thr325Met)

Gene: ERCC2 (ERCC excision repair 2, TFIIH core complex helicase subunit; minus strand). Cytogenetic location: 19q13.32.
Variant type: single nucleotide variant.
Coding change: c.974C>T on transcript NM_000400.4 (MANE Select); coding-DNA position 974, C replaced by T.
Protein change: p.Thr325Met; replaces threonine 325 with methionine.
Molecular consequence: missense variant.
Genome position (GRCh38, 1-based): chr19:45,363,887, G>A on the plus strand (C>T on the coding strand, the complement: ERCC2 is on the minus strand). VCF-style: chr19-45363887-G-A. GRCh37 (hg19) VCF-style: chr19-45867145-G-A.
Other names: c.902C>T, p.Thr301Met (NM_001130867.2); c.974C>T (NM_000400.3); short protein forms T325M, T301M.
Identifiers: ClinVar variation 134109 (VCV000134109.10), dbSNP rs530045760, ClinGen allele CA158794.

ClinVar aggregate classification (germline): Likely benign. Review status: criteria provided, multiple submitters, no conflicts (2 of 4 stars). 3 submissions from 3 submitters: Likely benign (2). 1 of the submissions does not count toward it. Last evaluated 2026-01-19.

Conditions:
Inborn genetic diseases. Identifiers: MedGen C0950123, MeSH D030342.

Allele frequency attached by ClinVar (database versions not stated): gnomAD 0.00013 and 0.00004; 1000 Genomes Project 30x 0.00047; 1000 Genomes Project 0.00060; ExAC 0.00195; TOPMed 0.00004.

Submissions (3):

Labcorp Genetics (formerly Invitae), Labcorp
Classification: Likely benign. Last evaluated: 2026-01-19. Review status: criteria provided, single submitter. Criteria: Invitae Variant Classification Sherloc (09022015). Collection method: clinical testing. Allele origin: germline.

Ambry Genetics
Classification: Likely benign for Inborn genetic diseases. Last evaluated: 2022-04-18. Review status: criteria provided, single submitter. Criteria: Ambry Variant Classification Scheme 2023. Collection method: clinical testing. Allele origin: germline.

ITMI
No classification provided. Condition: AllHighlyPenetrant. Last evaluated: 2013-09-19. Review status: no classification provided. Collection method: reference population. Allele origin: germline. Not counted in ClinVar's aggregate classification.
Comment: Please see associated publication for description of ethnicities

Literature cited by the submitters: PubMed 24728327 (cited by ITMI).